The following is an entry in ClinVar:

ClinVar aggregate classification (germline): Uncertain significance (1 of 4 stars; one submission).

Conditions:
Renal cell carcinoma. Identifiers: Orphanet 217071, MedGen C0007134, MeSH D002292, MONDO:0005086, HP:0005584.

Submission:

Labcorp Genetics (formerly Invitae), Labcorp
Classification: Uncertain significance for Renal cell carcinoma. Last evaluated: 2025-03-29. Review status: criteria provided, single submitter. Criteria: Invitae Variant Classification Sherloc (09022015). Collection method: clinical testing. Allele origin: germline.
Comment: This sequence change replaces isoleucine, which is neutral and non-polar, with threonine, which is neutral and polar, at codon 70 of the MET protein (p.Ile70Thr). This variant is not present in population databases (gnomAD no frequency). This variant has not been reported in the literature in individuals affected with MET-related conditions. Invitae Evidence Modeling of protein sequence and biophysical properties (such as structural, functional, and spatial information, amino acid conservation, physicochemical variation, residue mobility, and thermodynamic stability) indicates that this missense variant is expected to disrupt MET protein function with a positive predictive value of 80%. In summary, the available evidence is currently insufficient to determine the role of this variant in disease. Therefore, it has been classified as a Variant of Uncertain Significance.

NM_000245.4(MET):c.209T>C (p.Ile70Thr)

Gene: MET (MET proto-oncogene, receptor tyrosine kinase; plus strand). Cytogenetic location: 7q31.2.
Variant type: single nucleotide variant.
Coding change: c.209T>C on transcript NM_000245.4 (MANE Select); coding-DNA position 209, T replaced by C.
Protein change: p.Ile70Thr; replaces isoleucine 70 with threonine.
Molecular consequence: missense variant. On other transcripts: intron variant (1).
Genome position (GRCh38, 1-based): chr7:116,699,293, T>C. VCF-style: chr7-116699293-T-C. GRCh37 (hg19) VCF-style: chr7-116339347-T-C.
Other names: c.209T>C, p.Ile70Thr (NM_001127500.3, NM_001324401.3); c.-91+26716T>C (NM_001324402.2); short protein forms I70T.
Identifiers: ClinVar variation 4746029 (VCV004746029.1).